The following is an entry in ClinVar:

NM_032043.3(BRIP1):c.534A>G (p.Thr178=)

Gene: BRIP1 (BRCA1 interacting DNA helicase 1; minus strand). Cytogenetic location: 17q23.2.
Variant type: single nucleotide variant.
Coding change: c.534A>G on transcript NM_032043.3 (MANE Select); coding-DNA position 534, A replaced by G.
Protein change: p.Thr178=; no amino-acid change (threonine 178 retained).
Molecular consequence: synonymous variant.
Genome position (GRCh38, 1-based): chr17:61,847,194, T>C on the plus strand (A>G on the coding strand, the complement: BRIP1 is on the minus strand). VCF-style: chr17-61847194-T-C. GRCh37 (hg19) VCF-style: chr17-59924555-T-C.
Other names: c.534A>G (NM_032043.2).
Identifiers: ClinVar variation 1137217 (VCV001137217.12), dbSNP rs2145744562, ClinGen allele CA501150661.

ClinVar aggregate classification (germline): Benign/Likely benign. Review status: criteria provided, multiple submitters, no conflicts (2 of 4 stars). 3 submissions from 3 submitters: Benign (1); Likely benign (2). Last evaluated 2024-08-21.

Conditions:
Familial cancer of breast. Also called: Hereditary breast cancer; BREAST CANCER, FAMILIAL; hereditary breast carcinoma. Identifiers: Orphanet 227535, MedGen C0346153, MONDO:0016419, OMIM 114480. Disease mechanism: loss of function.
Fanconi anemia complementation group J. Also called: BRIP1-Related Fanconi Anemia. Identifiers: Orphanet 84, MedGen C1836860, MONDO:0012187, OMIM 609054.
Hereditary cancer-predisposing syndrome. Also called: Neoplastic Syndromes, Hereditary; Hereditary neoplastic syndrome; Tumor predisposition; Hereditary Cancer Syndrome. Identifiers: Orphanet 140162, MedGen C0027672, MeSH D009386, MONDO:0015356.

Allele frequency attached by ClinVar (database versions not stated): gnomAD exomes below 0.00001.
gnomAD v4.1: 1 of 1,613,768 alleles (0.000062%); highest among the groups gnomAD compares: Non-Finnish European, 0.000085%; no homozygotes.

Submissions (3):

Myriad Genetics, Inc.
Classification: Benign for Familial cancer of breast. Last evaluated: 2024-08-21. Review status: criteria provided, single submitter. Criteria: Myriad Autosomal Dominant, Autosomal Recessive and X-Linked Classification Criteria (2023). Collection method: clinical testing. Allele origin: unknown.
Comment: This variant is considered benign. This variant is a silent/synonymous amino acid change and it is not expected to impact splicing.

Ambry Genetics
Classification: Likely benign for Hereditary cancer-predisposing syndrome. Last evaluated: 2023-10-19. Review status: criteria provided, single submitter. Criteria: Ambry Variant Classification Scheme 2023. Collection method: clinical testing. Allele origin: germline.

Labcorp Genetics (formerly Invitae), Labcorp
Classification: Likely benign for Familial cancer of breast; Fanconi anemia complementation group J. Last evaluated: 2020-07-08. Review status: criteria provided, single submitter. Criteria: Invitae Variant Classification Sherloc (09022015). Collection method: clinical testing. Allele origin: germline.